The following is an entry in ClinVar:

ClinVar aggregate classification (germline): Uncertain significance. Review status: criteria provided, multiple submitters, no conflicts (2 of 4 stars). 14 submissions from 13 submitters: Uncertain significance (13). 1 of the submissions does not count toward it. Last evaluated 2026-09-26.

Conditions:
WFS1-Related Spectrum Disorders.
Autosomal dominant nonsyndromic hearing loss 6 (LFSNHL). Also called: DEAFNESS, AUTOSOMAL DOMINANT 6; DEAFNESS, AUTOSOMAL DOMINANT 14; DEAFNESS, AUTOSOMAL DOMINANT 38; Autosomal dominant nonsyndromic deafness 6. Identifiers: Orphanet 90635, MedGen C1833021, MONDO:0010963, OMIM 600965.
Type 2 diabetes mellitus. Also called: Type II diabetes mellitus. Identifiers: MedGen C0011860, MeSH D003924, MONDO:0005148, OMIM 125853, HP:0005978.
Cataract 41 (CTRCT41). Also called: CATARACT 41, CONGENITAL NUCLEAR TYPE. Identifiers: Orphanet 91492, Orphanet 98991, Orphanet 98992, Orphanet 98995, MedGen C3805412, MONDO:0007287, OMIM 116400.
Wolfram-like syndrome. Also called: HEARING LOSS, PROGRESSIVE, WITH OPTIC ATROPHY AND/OR IMPAIRED GLUCOSE REGULATION. Identifiers: Orphanet 411590, MedGen C3280358, MONDO:0013673, OMIM 614296.
Wolfram syndrome 1 (WFS1). Identifiers: Orphanet 3463, MedGen C4551693, MONDO:0009101, OMIM 222300.
WFS1-related disorder. Identifiers: MedGen CN379391, MONDO:0700293.
Monogenic diabetes. Identifiers: Orphanet 183625, MedGen C3888631, MONDO:0015967.
Hereditary ataxia. Also called: Hereditary Ataxias. Identifiers: Orphanet 183518, MedGen C0004138, MONDO:0100309, MONDO:0000557.

Allele frequency attached by ClinVar (database versions not stated): gnomAD exomes 0.00014 and 0.00037; gnomAD 0.00015 and 0.00016; TOPMed 0.00017; ExAC 0.00021; ESP Exome Variant Server 0.00023.

Submissions (14):

PreventionGenetics, part of Exact Sciences
Classification: Uncertain significance for WFS1-related condition. Last evaluated: 2026-09-26. Review status: criteria provided, single submitter. Criteria: ACMG Guidelines, 2015. Collection method: clinical testing. Allele origin: germline.
Comment: The WFS1 c.400G>A variant is predicted to result in the amino acid substitution p.Ala134Thr. This variant has been reported in two individuals with Wolfram syndrome (Yurimoto et al. 2009. PubMed ID: 19292454), and in one individual with hearing loss (Table S11, Lewis et al. 2018. PubMed ID: 30180840), and along with a second WFS1 variant in one patient with features consistent with Wolfram syndrome (p.Ala243Val, Appendix 1, Wallis et al. 2024. PubMed ID: 39095811). This variant is reported in 0.029% of alleles in individuals of European (Non-Finnish) descent in gnomAD, including more than 500 heterozygotes in the gnomAD v4.1.1 database. At this time, the clinical significance of this variant is uncertain due to the absence of conclusive functional and genetic evidence.

GeneDx
Classification: Uncertain significance. Last evaluated: 2025-10-14. Review status: criteria provided, single submitter. Criteria: GeneDx Variant Classification Process June 2021. Collection method: clinical testing. Allele origin: germline. Affected: yes.
Comment: Reported in an individual with nonsyndromic hearing loss in whom two other variants in WFS1 were also identified (PMID: 37713394); In silico analysis suggests that this missense variant does not alter protein structure/function; This variant is associated with the following publications: (PMID: 19292454, 20738327, 27617222, 37713394, 39095811)

Labcorp Genetics (formerly Invitae), Labcorp
Classification: Uncertain significance. Last evaluated: 2025-10-14. Review status: criteria provided, single submitter. Criteria: Invitae Variant Classification Sherloc (09022015). Collection method: clinical testing. Allele origin: germline.
Comment: This sequence change replaces alanine, which is neutral and non-polar, with threonine, which is neutral and polar, at codon 134 of the WFS1 protein (p.Ala134Thr). This variant is present in population databases (rs147724970, gnomAD 0.03%). This missense change has been observed in individual(s) with clinical features of Wolfram syndrome (PMID: 39095811). ClinVar contains an entry for this variant (Variation ID: 215410). Invitae Evidence Modeling of protein sequence and biophysical properties (such as structural, functional, and spatial information, amino acid conservation, physicochemical variation, residue mobility, and thermodynamic stability) indicates that this missense variant is not expected to disrupt WFS1 protein function with a negative predictive value of 95%. Experimental studies have shown that this missense change affects WFS1 function (PMID: 19292454). In summary, the available evidence is currently insufficient to determine the role of this variant in disease. Therefore, it has been classified as a Variant of Uncertain Significance.

Women's Health and Genetics/Laboratory Corporation of America, LabCorp
Classification: Uncertain significance. Last evaluated: 2025-09-26. Review status: criteria provided, single submitter. Criteria: LabCorp Variant Classification Summary - May 2015. Collection method: clinical testing. Allele origin: germline.
Comment: Variant summary: WFS1 c.400G>A (p.Ala134Thr) results in a non-conservative amino acid change in the encoded protein sequence. Algorithms developed to predict the effect of missense changes on protein structure and function all suggest that this variant is likely to be disruptive. The variant allele was found at a frequency of 0.00014 in 204734 control chromosomes (gnomAD). This frequency is not significantly higher than estimated for disease-causing variants in WFS1, allowing no conclusion about variant significance. c.400G>A has been observed in one individual affected with clinical features of neurological disorder (Wallis_2024). The report does not provide unequivocal conclusions about association of the variant with Wolfram Syndrome 1. At least one publication reports experimental evidence evaluating an impact on protein function and this variant affected the WFS1 protein function (Yurimoto_2009). The following publication have been ascertained in the context of this evaluation (PMID: 39095811, 19292454). ClinVar contains an entry for this variant (Variation ID: 215410). Based on the evidence outlined above, the variant was classified as uncertain significance.

CeGaT Center for Human Genetics Tuebingen
Classification: Uncertain significance. Last evaluated: 2025-02-01. Review status: criteria provided, single submitter. Criteria: CeGaT Center For Human Genetics Tuebingen Variant Classification Criteria Version 2. Collection method: clinical testing. Allele origin: germline. Affected: yes. Observed: 4 variant alleles.

Blueprint Genetics
Classification: Uncertain significance. Last evaluated: 2024-10-08. Review status: criteria provided, single submitter. Criteria: ACMG Guidelines, 2015. Collection method: clinical testing. Allele origin: germline.

Fulgent Genetics
Classification: Uncertain significance for Cataract 41; Type 2 diabetes mellitus; Wolfram syndrome 1; Autosomal dominant nonsyndromic hearing loss 6; Wolfram-like syndrome. Last evaluated: 2024-05-24. Review status: criteria provided, single submitter. Criteria: ACMG Guidelines, 2015. Collection method: clinical testing. Allele origin: germline.

Cambridge Genomics Laboratory, East Genomic Laboratory Hub, NHS Genomic Medicine Service
Classification: Uncertain significance for Hereditary ataxia. Last evaluated: 2019-04-17. Review status: criteria provided, single submitter. Criteria: ACGS Best Practice Guidelines for Variant Classification in Rare Disease 2020. Collection method: clinical testing. Allele origin: germline. Affected: yes. Observed: 1 variant allele.

Laboratory for Molecular Medicine, Mass General Brigham Personalized Medicine
Classification: Uncertain significance. Last evaluated: 2018-08-30. Review status: criteria provided, single submitter. Criteria: LMM Criteria. Collection method: clinical testing. Allele origin: germline. Observed: 2 variant alleles.
Comment: The p.Ala134Thr variant in WFS1 has not been previously reported in individuals with hearing loss, Wolfram syndrome, or Wolfram like syndrome, but has been iden tified in 0.03% (26/101904) European chromosomes by gnomAD. This variant has also been reported in ClinVar (Variation ID 2154 10). Computational prediction tools and conservation analysis do not provide str ong support for or against an impact to the protein. In summary, the clinical s ignificance of the p.Ala134Thr variant is uncertain. ACMG/AMP Criteria applied: PM2_Supporting.

Personalized Diabetes Medicine Program, University of Maryland School of Medicine
Classification: Uncertain significance for Monogenic diabetes. Last evaluated: 2018-05-18. Review status: criteria provided, single submitter. Criteria: ACMG Guidelines, 2015. Collection method: research. Allele origin: unknown. Observed: 1 variant allele, 1 heterozygote.
Comment: ACMG criteria: PP3 (7 predictors + Revel score 0.806; not using BP4 (2 predictors)); c.397G>A/Ala133Thr has been published in literature in association with WFS1 (PMID: 24890733) = VUS

Eurofins Ntd Llc (ga)
Classification: Uncertain significance. Last evaluated: 2018-02-27. Review status: criteria provided, single submitter. Criteria: EGL ClinVar v180209 classification definitions. Collection method: clinical testing. Allele origin: germline. Observed: 2 variant alleles, 2 heterozygotes.

Illumina Laboratory Services, Illumina
Classification: Uncertain significance for Autosomal dominant nonsyndromic hearing loss 6. Last evaluated: 2017-04-27. Review status: criteria provided, single submitter. Criteria: ICSL Variant Classification Criteria 13 December 2019. Collection method: clinical testing. Allele origin: germline.

Illumina Laboratory Services, Illumina
Classification: Uncertain significance for WFS1-Related Spectrum Disorders. Last evaluated: 2017-04-27. Review status: criteria provided, single submitter. Criteria: ICSL Variant Classification Criteria 13 December 2019. Collection method: clinical testing. Allele origin: germline.
Comment: This variant was observed as part of a predisposition screen in an ostensibly healthy population. A literature search was performed for the gene, cDNA change, and amino acid change (where applicable). Publications were found based on this search. However, the evidence from the literature, in combination with allele frequency data from public databases where available, was not sufficient to rule this variant in or out of causing disease. Therefore, this variant is classified as a variant of unknown significance.

Department of Pathology and Laboratory Medicine, Sinai Health System
Classification: Uncertain significance. Review status: no assertion criteria provided. Collection method: clinical testing. Allele origin: unknown. Affected: yes. Study: The Canadian Open Genetics Repository (COGR). Not counted in ClinVar's aggregate classification.
Comment: The WFS1 p.Ala134Thr variant was identified in 1/30 individuals with hearing loss (Lewis_2018_PMID: 30180840). The variant was identified in dbSNP (ID: rs147724970) and ClinVar (classified as uncertain significance by EGL Genetic Diagnostics, GeneDx, Laboratory for Molecular Medicine, and CeGaT Praxis fuer). The variant was identified in control databases in 33 of 236124 chromosomes at a frequency of 0.0001398 (Genome Aggregation Database March 6, 2019, v2.1.1). The variant was observed in the following populations: Other in 2 of 6416 chromosomes (freq: 0.000312), European (non-Finnish) in 30 of 104428 chromosomes (freq: 0.000287) and African in 1 of 20912 chromosomes (freq: 0.000048), but was not observed in the Latino, Ashkenazi Jewish, East Asian, European (Finnish), or South Asian populations. The p.Ala134 residue is conserved in mammals and computational analyses (PolyPhen-2, SIFT, AlignGVGD, BLOSUM, MutationTaster) provide inconsistent predictions regarding the impact to the protein; this information is not very predictive of pathogenicity. The variant occurs outside of the splicing consensus sequence and in silico or computational prediction software programs (SpliceSiteFinder, MaxEntScan, NNSPLICE, GeneSplicer) do not predict a difference in splicing. In summary, based on the above information the clinical significance of this variant cannot be determined with certainty at this time. This variant is classified as a variant of uncertain significance.

Literature cited by the submitters: PubMed 39095811 (cited by Labcorp Genetics (formerly Invitae), Labcorp and Women's Health and Genetics/Laboratory Corporation of America, LabCorp); PubMed 19292454 (cited by 4 submitters); PubMed 20738327 (cited by Laboratory for Molecular Medicine, Mass General Brigham Personalized Medicine and Illumina Laboratory Services, Illumina); PubMed 27617222 (cited by Laboratory for Molecular Medicine, Mass General Brigham Personalized Medicine).

NM_006005.3(WFS1):c.400G>A (p.Ala134Thr)

Gene: WFS1 (wolframin ER transmembrane glycoprotein; plus strand). Cytogenetic location: 4p16.1.
Variant type: single nucleotide variant.
Coding change: c.400G>A on transcript NM_006005.3 (MANE Select); coding-DNA position 400, G replaced by A.
Protein change: p.Ala134Thr; replaces alanine 134 with threonine.
Molecular consequence: missense variant.
Genome position (GRCh38, 1-based): chr4:6,289,071, G>A. VCF-style: chr4-6289071-G-A. GRCh37 (hg19) VCF-style: chr4-6290798-G-A.
Other names: p.A134T:GCG>ACG; c.400G>A, p.Ala134Thr (NM_001145853.1); short protein forms A134T.
Identifiers: ClinVar variation 215410 (VCV000215410.75), dbSNP rs147724970, ClinGen allele CA323087.
Genomic context (GRCh38, chr4:6,289,071, plus strand): 5'-GCCGGCGACACGGATGAAGAACTCAACAGCTGCACCGCTGTGGACTGGCTGGTCCTCGCC[G>A]CGAAGCAGGGCCGTCGCGAGGCTGTGAAGCTGCTTCGCCGGTGCTTGGCGGACAGAAGAG-3'
Protein context (NP_005996.2, residues 124-144): CTAVDWLVLA[Ala134Thr]KQGRREAVKL